The following is an entry in ClinVar:

NM_000038.6(APC):c.950C>G (p.Ser317Ter)

Gene: APC (APC regulator of Wnt signaling pathway; plus strand). Cytogenetic location: 5q22.2.
Variant type: single nucleotide variant.
Coding change: c.950C>G on transcript NM_000038.6 (MANE Select); coding-DNA position 950, C replaced by G.
Protein change: p.Ser317Ter; replaces serine 317 with a stop codon.
Molecular consequence: nonsense. On other transcripts: non-coding transcript variant (2), intron variant (15).
Genome position (GRCh38, 1-based): chr5:112,818,982, C>G. VCF-style: chr5-112818982-C-G. GRCh37 (hg19) VCF-style: chr5-112154679-C-G.
Other names: c.950C>G (NM_000038.5); c.950C>G, p.Ser317Ter (NM_001127510.3, NM_001354895.2, NM_001354896.2 and 4 more transcripts); c.896C>G, p.Ser299Ter (NM_001127511.3); c.980C>G, p.Ser327Ter (NM_001354897.2, NM_001407446.1); c.875C>G, p.Ser292Ter (NM_001354898.2, NM_001407451.1); c.866C>G, p.Ser289Ter (NM_001354899.2, NM_001407452.1); c.773C>G, p.Ser258Ter (NM_001354900.2, NM_001354901.2, NM_001407453.1); c.101C>G, p.Ser34Ter (NM_001354906.2, NM_001407470.1); and 6 more; short protein forms S258*, S289*, S292*, S299*, S317*, S327*, S34*.
Identifiers: ClinVar variation 2583991 (VCV002583991.3), dbSNP rs2149778856, ClinGen allele CA16023389.

ClinVar aggregate classification (germline): Pathogenic. Review status: criteria provided, multiple submitters, no conflicts (2 of 4 stars). 3 submissions from 3 submitters: Pathogenic (3). Last evaluated 2025-12-26.

Conditions:
Familial adenomatous polyposis 1 (FAP1). Also called: FAMILIAL ADENOMATOUS POLYPOSIS 1, ATTENUATED; POLYPOSIS, ADENOMATOUS INTESTINAL. Identifiers: MedGen C2713442, MONDO:0021056, OMIM 175100. Disease mechanism: loss of function.
Hereditary cancer-predisposing syndrome. Also called: Hereditary neoplastic syndrome; Tumor predisposition; Hereditary Cancer Syndrome; Neoplastic Syndromes, Hereditary. Identifiers: Orphanet 140162, MedGen C0027672, MeSH D009386, MONDO:0015356.

Submissions (3):

Labcorp Genetics (formerly Invitae), Labcorp
Classification: Pathogenic for Familial adenomatous polyposis 1. Last evaluated: 2025-12-26. Review status: criteria provided, single submitter. Criteria: Invitae Variant Classification Sherloc (09022015). Collection method: clinical testing. Allele origin: germline.
Comment: This sequence change creates a premature translational stop signal (p.Ser317*) in the APC gene. It is expected to result in an absent or disrupted protein product. Loss-of-function variants in APC are known to be pathogenic (PMID: 17963004, 20685668). This variant is not present in population databases (gnomAD no frequency). This variant has not been reported in the literature in individuals affected with APC-related conditions. ClinVar contains an entry for this variant (Variation ID: 2583991). For these reasons, this variant has been classified as Pathogenic.

Ambry Genetics
Classification: Pathogenic for Hereditary cancer-predisposing syndrome. Last evaluated: 2023-09-26. Review status: criteria provided, single submitter. Criteria: Ambry Variant Classification Scheme 2023. Collection method: clinical testing. Allele origin: germline.
Comment: The p.S317* pathogenic mutation (also known as c.950C>G), located in coding exon 9 of the APC gene, results from a C to G substitution at nucleotide position 950. This changes the amino acid from a serine to a stop codon within coding exon 9. This alteration has been observed in at least one individual with a personal and/or family history that is consistent with APC-related disease (Ambry internal data). This variant is considered to be rare based on population cohorts in the Genome Aggregation Database (gnomAD). This alteration is expected to result in loss of function by premature protein truncation or nonsense-mediated mRNA decay. As such, this alteration is interpreted as a disease-causing mutation.

Myriad Genetics, Inc.
Classification: Pathogenic for Familial adenomatous polyposis 1. Last evaluated: 2023-04-28. Review status: criteria provided, single submitter. Criteria: Myriad Autosomal Dominant, Autosomal Recessive and X-Linked Classification Criteria (2023). Collection method: clinical testing. Allele origin: unknown.
Comment: This variant is considered pathogenic. This variant creates a termination codon and is predicted to result in premature protein truncation.

Literature cited by the submitters: PubMed 17963004 (cited by Labcorp Genetics (formerly Invitae), Labcorp); PubMed 20685668 (cited by Labcorp Genetics (formerly Invitae), Labcorp).